The following is an entry in ClinVar:

ClinVar aggregate classification (germline): Conflicting classifications of pathogenicity. Review status: criteria provided, conflicting classifications (1 of 4 stars). 4 submissions from 4 submitters: Uncertain significance (3); Likely benign (1). Last evaluated 2025-05-21.

Conditions:
Hereditary cancer-predisposing syndrome. Also called: Tumor predisposition; Hereditary neoplastic syndrome; Neoplastic Syndromes, Hereditary; Hereditary Cancer Syndrome. Identifiers: Orphanet 140162, MedGen C0027672, MeSH D009386, MONDO:0015356.
Hereditary breast ovarian cancer syndrome. Also called: Hereditary breast and ovarian cancer; Hereditary breast and/or ovarian cancer syndrome; Hereditary breast and ovarian cancer syndrome; Hereditary breast and ovarian cancer syndrome (HBOC); BRCA1- and BRCA2-Associated Hereditary Breast and Ovarian Cancer; Breast and ovarian cancer. Identifiers: Orphanet 145, MedGen C0677776, MeSH D061325, MONDO:0003582. Disease mechanism: loss of function.

Allele frequency attached by ClinVar (database versions not stated): gnomAD exomes below 0.00001; ExAC 0.00001.
gnomAD v4.1: 1 of 1,613,942 alleles (0.000062%); highest among the groups gnomAD compares: South Asian, 0.0011%; no homozygotes.

Submissions (4):

Ambry Genetics
Classification: Uncertain significance for Hereditary cancer-predisposing syndrome. Last evaluated: 2025-05-21. Review status: criteria provided, single submitter. Criteria: Ambry Variant Classification Scheme 2023. Collection method: clinical testing. Allele origin: germline.
Comment: The p.N1364T variant (also known as c.4091A>C), located in coding exon 9 of the BRCA1 gene, results from an A to C substitution at nucleotide position 4091. The asparagine at codon 1364 is replaced by threonine, an amino acid with similar properties. This amino acid position is not well conserved in available vertebrate species. In addition, the in silico prediction for this alteration is inconclusive. Based on the available evidence, the clinical significance of this variant remains unclear.

University of Washington Department of Laboratory Medicine, University of Washington
Classification: Likely benign for Hereditary cancer-predisposing syndrome. Last evaluated: 2023-03-23. Review status: criteria provided, single submitter. Criteria: Dines et al. (Genet Med. 2020). Collection method: curation. Allele origin: germline.
Comment: Missense variant in a coldspot region where missense variants are very unlikely to be pathogenic (PMID:31911673).

BRCA1 coldspot (exon 11 using historical exon numbering). Reclassification based on statistical prior probability

Color Diagnostics, LLC DBA Color Health
Classification: Uncertain significance for Hereditary cancer-predisposing syndrome. Last evaluated: 2021-07-26. Review status: criteria provided, single submitter. Criteria: ACMG Guidelines, 2015. Collection method: clinical testing. Allele origin: germline.
Comment: This missense variant replaces asparagine with threonine at codon 1364 of the BRCA1 protein. Computational prediction suggests that this variant may not impact protein structure and function (internally defined REVEL score threshold <= 0.5, PMID: 27666373). To our knowledge, functional studies have not been reported for this variant. This variant has not been reported in individuals affected with hereditary cancer in the literature. This variant has been identified in 1/250882 chromosomes in the general population by the Genome Aggregation Database (gnomAD). The available evidence is insufficient to determine the role of this variant in disease conclusively. Therefore, this variant is classified as a Variant of Uncertain Significance.

Labcorp Genetics (formerly Invitae), Labcorp
Classification: Uncertain significance for Hereditary breast ovarian cancer syndrome. Last evaluated: 2019-07-14. Review status: criteria provided, single submitter. Criteria: Invitae Variant Classification Sherloc (09022015). Collection method: clinical testing. Allele origin: germline.
Comment: Algorithms developed to predict the effect of missense changes on protein structure and function (SIFT, PolyPhen-2, Align-GVGD) all suggest that this variant is likely to be tolerated, but these predictions have not been confirmed by published functional studies and their clinical significance is uncertain. This sequence change replaces asparagine with threonine at codon 1364 of the BRCA1 protein (p.Asn1364Thr). The asparagine residue is moderately conserved and there is a small physicochemical difference between asparagine and threonine. This variant is present in population databases (rs765156052, ExAC 0.006%). This variant has not been reported in the literature in individuals with BRCA1-related conditions. In summary, the available evidence is currently insufficient to determine the role of this variant in disease. Therefore, it has been classified as a Variant of Uncertain Significance.

NM_007294.4(BRCA1):c.4091A>C (p.Asn1364Thr)

Genes: BRCA1 (BRCA1 DNA repair associated; minus strand), LOC126862571 (BRD4-independent group 4 enhancer GRCh37_chr17:41243136-41244335; plus strand). Cytogenetic location: 17q21.31.
Variant type: single nucleotide variant.
Coding change: c.4091A>C on transcript NM_007294.4 (MANE Select); coding-DNA position 4091, A replaced by C.
Protein change: p.Asn1364Thr; replaces asparagine 1364 with threonine.
Molecular consequence: missense variant. On other transcripts: intron variant (135).
Genome position (GRCh38, 1-based): chr17:43,091,440, T>G on the plus strand (A>C on the coding strand, the complement: BRCA1 is on the minus strand). VCF-style: chr17-43091440-T-G. GRCh37 (hg19) VCF-style: chr17-41243457-T-G.
Other names: c.3878A>C, p.Asn1293Thr (NM_001407571.1, NM_001407853.1, NM_001407894.1 and 9 more transcripts); c.4091A>C, p.Asn1364Thr (NM_001407581.1, NM_001407582.1, NM_001407583.1 and 30 more transcripts); c.4088A>C, p.Asn1363Thr (NM_001407587.1, NM_001407590.1, NM_001407591.1 and 22 more transcripts); c.4082A>C, p.Asn1361Thr (NM_001407646.1, NM_001407647.1); c.3968A>C, p.Asn1323Thr (NM_001407648.1, NM_001407664.1, NM_001407665.1 and 19 more transcripts); c.3965A>C, p.Asn1322Thr (NM_001407649.1, NM_001407670.1, NM_001407671.1 and 11 more transcripts); c.4013A>C, p.Asn1338Thr (NM_001407653.1, NM_001407654.1, NM_001407655.1 and 4 more transcripts); c.4010A>C, p.Asn1337Thr (NM_001407659.1, NM_001407660.1, NM_001407661.1 and 1 more transcripts); and 41 more; short protein forms N1317T, N1364T, N1236T, N1253T, N1294T, N1297T, N1337T, N1196T.
Identifiers: ClinVar variation 950528 (VCV000950528.16), dbSNP rs765156052, ClinGen allele CA058967.